The following is an entry in ClinVar:

NM_005159.5(ACTC1):c.607G>A (p.Val203Ile)

Genes: GJD2-DT (GJD2 divergent transcript; plus strand), ACTC1 (actin alpha cardiac muscle 1; minus strand). Cytogenetic location: 15q14.
Variant type: single nucleotide variant.
Coding change: c.607G>A on transcript NM_005159.5 (MANE Select); coding-DNA position 607, G replaced by A.
Protein change: p.Val203Ile; replaces valine 203 with isoleucine.
Molecular consequence: missense variant.
Genome position (GRCh38, 1-based): chr15:34,792,417, C>T on the plus strand (G>A on the coding strand, the complement: ACTC1 is on the minus strand). VCF-style: chr15-34792417-C-T. GRCh37 (hg19) VCF-style: chr15-35084618-C-T.
Other names: c.607G>A (LRG_388t1); short protein forms V203I.
Identifiers: ClinVar variation 410263 (VCV000410263.8), dbSNP rs1060502822, ClinGen allele CA16614745.

ClinVar aggregate classification (germline): Uncertain significance (1 of 4 stars; one submission).

Conditions:
Atrial septal defect 5 (ASD5). Identifiers: Orphanet 1478, MedGen C2748552, MONDO:0013011, OMIM 612794.
Dilated cardiomyopathy 1R (CMD1R). Identifiers: Orphanet 154, Orphanet 54260, MedGen C3150681, MONDO:0013261, OMIM 613424.
Hypertrophic cardiomyopathy 11. Also called: ACTC1-Related Familial Hypertrophic Cardiomyopathy. Identifiers: MedGen C2677506, MONDO:0012799, OMIM 612098.

Submission:

Labcorp Genetics (formerly Invitae), Labcorp
Classification: Uncertain significance for Dilated cardiomyopathy 1R; Hypertrophic cardiomyopathy 11; Atrial septal defect 5. Last evaluated: 2016-10-05. Review status: criteria provided, single submitter. Criteria: Invitae Variant Classification Sherloc (09022015). Collection method: clinical testing. Allele origin: germline.
Comment: In summary, this variant is a novel missense change that is not predicted to affect protein function. There is no indication that it causes disease, but the available evidence is currently insufficient to prove that conclusively. Therefore, it has been classified as a Variant of Uncertain Significance. Algorithms developed to predict the effect of missense changes on protein structure and function (SIFT, PolyPhen-2, Align-GVGD) all suggest that this variant is likely to be tolerated, but these predictions have not been confirmed by published functional studies. This variant is not present in population databases (ExAC no frequency) and has not been reported in the literature in individuals with a ACTC1-related disease. This sequence change replaces valine with isoleucine at codon 203 of the ACTC1 protein (p.Val203Ile). The valine residue is highly conserved and there is a small physicochemical difference between valine and isoleucine.